The following is an entry in ClinVar:

ClinVar aggregate classification (germline): Benign (1 of 4 stars; one submission).

Allele frequency attached by ClinVar (database versions not stated): 1000 Genomes Project 0.58247; gnomAD 0.59046 and 0.59936; 1000 Genomes Project 30x 0.59057; TOPMed 0.60441; ESP Exome Variant Server 0.65338.
gnomAD v4.1: 776,989 of 1,531,334 alleles (51%); highest among the groups gnomAD compares: African/African-American, 84%; 202,242 homozygotes.

Submission:

GeneDx
Classification: Benign. Last evaluated: 2018-07-13. Review status: criteria provided, single submitter. Criteria: GeneDx Variant Classification Process June 2021. Collection method: clinical testing. Allele origin: germline. Affected: yes.
Comment: This variant is associated with the following publications: (PMID: 29431731)

NC_000006.12:g.39314260T>C

Genes: KCNK16 (potassium two pore domain channel subfamily K member 16; minus strand), KCNK17 (potassium two pore domain channel subfamily K member 17; minus strand). Cytogenetic location: 6p21.2.
Variant type: single nucleotide variant.
Molecular consequence: missense variant (on NM_031460.4).
Genome position: GRCh38 VCF-style: chr6-39314260-T-C. GRCh37 (hg19) VCF-style: chr6-39282036-T-C.
Other names: c.61A>G, p.Ser21Gly (NM_001135111.2, NM_031460.4); short protein forms S21G.
Identifiers: ClinVar variation 1239821 (VCV001239821.3), dbSNP rs10947804, ClinGen allele CA3793290.